The following is an entry in ClinVar:

NM_000038.6(APC):c.3583T>G (p.Phe1195Val)

Gene: APC (APC regulator of Wnt signaling pathway; plus strand). Cytogenetic location: 5q22.2.
Variant type: single nucleotide variant.
Coding change: c.3583T>G on transcript NM_000038.6 (MANE Select); coding-DNA position 3583, T replaced by G.
Protein change: p.Phe1195Val; replaces phenylalanine 1195 with valine.
Molecular consequence: missense variant. On other transcripts: non-coding transcript variant (2).
Genome position (GRCh38, 1-based): chr5:112,839,177, T>G. VCF-style: chr5-112839177-T-G. GRCh37 (hg19) VCF-style: chr5-112174874-T-G.
Other names: c.3583T>G, p.Phe1195Val (NM_001127510.3, NM_001354895.2, NM_001407450.1); c.3529T>G, p.Phe1177Val (NM_001127511.3); c.3499T>G, p.Phe1167Val (NM_001354899.2); c.3637T>G, p.Phe1213Val (NM_001354896.2, NM_001407447.1, NM_001407448.1 and 1 more transcripts); c.3613T>G, p.Phe1205Val (NM_001354897.2); c.3508T>G, p.Phe1170Val (NM_001354898.2); c.3460T>G, p.Phe1154Val (NM_001354900.2); c.3406T>G, p.Phe1136Val (NM_001354901.2, NM_001407453.1); and 11 more; short protein forms F1195V, F912V, F1035V, F1066V, F1104V, F1112V, F1167V, F1188V.
Identifiers: ClinVar variation 3412040 (VCV003412040.1).
Genomic context (GRCh38, chr5:112,839,177, plus strand): 5'-CAGCCTATTGATTATAGTTTAAAATATGCCACAGATATTCCTTCATCACAGAAACAGTCA[T>G]TTTCATTCTCAAAGAGTTCATCTGGACAAAGCAGTAAAACCGAACATATGTCTTCAAGCA-3'
Protein context (NP_000029.2, residues 1185-1205): TDIPSSQKQS[Phe1195Val]SFSKSSSGQS

ClinVar aggregate classification (germline): Uncertain significance (1 of 4 stars; one submission).

Conditions:
Hereditary cancer-predisposing syndrome. Also called: Neoplastic Syndromes, Hereditary; Tumor predisposition; Hereditary Cancer Syndrome; Hereditary neoplastic syndrome. Identifiers: Orphanet 140162, MedGen C0027672, MeSH D009386, MONDO:0015356.

Submission:

Ambry Genetics
Classification: Uncertain significance for Hereditary cancer-predisposing syndrome. Last evaluated: 2024-11-01. Review status: criteria provided, single submitter. Criteria: Ambry Variant Classification Scheme 2023. Collection method: clinical testing. Allele origin: germline.
Comment: The p.F1195V variant (also known as c.3583T>G), located in coding exon 15 of the APC gene, results from a T to G substitution at nucleotide position 3583. The phenylalanine at codon 1195 is replaced by valine, an amino acid with highly similar properties. This amino acid position is conserved. In addition, in silico predictors for this gene do not accurately predict pathogenicity. Based on the available evidence, the clinical significance of this variant remains unclear.